The following is an entry in ClinVar:

ClinVar aggregate classification (germline): Pathogenic (1 of 4 stars; one submission).

Submission:

ISCA site 15
Classification: Pathogenic. Last evaluated: 2011-08-12. Review status: criteria provided, single submitter. Criteria: Kaminsky et al. (Genet Med. 2011). Collection method: clinical testing. Allele origin: de novo. Affected: yes. Observed: 1 variant allele.
Comment: Copy number variation identified through the course of routine clinical cytogenomic testing in postnatal populations. Clinical assertions have been curated as described in Kaminsky et al. 2011.

GRCh38/hg38 17q23.1-23.2(chr17:60043448-62148729)x1

Genes: APPBP2 (amyloid beta precursor protein binding protein 2; minus strand), APPBP2-DT (APPBP2 divergent transcript; plus strand), BCAS3 (BCAS3 microtubule associated cell migration factor; plus strand), BCAS3-AS1 (BCAS3 antisense RNA 1; minus strand), BRIP1 (BRCA1 interacting helicase 1; minus strand) and 58 more. Cytogenetic location: 17q23.1-23.2.
Variant type: copy number loss.
Change: copy number 1 (one copy instead of two) of chr17:60,043,448-62,148,729 (2.11 Mb, GRCh38 coordinates, 1-based), cytogenetic band 17q23.1-23.2.
Identifiers: ClinVar variation 57542 (VCV000057542.1).